The following is an entry in ClinVar:

NM_001111077.2(EZR):c.1131G>A (p.Glu377=)

Gene: EZR (ezrin; minus strand). Cytogenetic location: 6q25.3.
Variant type: single nucleotide variant.
Coding change: c.1131G>A on transcript NM_001111077.2 (MANE Select); coding-DNA position 1131, G replaced by A.
Protein change: p.Glu377=; no amino-acid change (glutamic acid 377 retained).
Molecular consequence: synonymous variant.
Genome position (GRCh38, 1-based): chr6:158,769,904, C>T on the plus strand (G>A on the coding strand, the complement: EZR is on the minus strand). VCF-style: chr6-158769904-C-T. GRCh37 (hg19) VCF-style: chr6-159190936-C-T.
Other names: c.1131G>A, p.Glu377= (NM_003379.5).
Identifiers: ClinVar variation 725496 (VCV000725496.33), dbSNP rs112461897, ClinGen allele CA4075080.

ClinVar aggregate classification (germline): Benign/Likely benign. Review status: criteria provided, multiple submitters, no conflicts (2 of 4 stars). 4 submissions from 4 submitters: Benign (1); Likely benign (3). Last evaluated 2022-09-01.

Allele frequency attached by ClinVar (database versions not stated): gnomAD exomes 0.00129 and 0.00164; TOPMed 0.00144; ExAC 0.00155; 1000 Genomes Project 0.00060; 1000 Genomes Project 30x 0.00078; ESP Exome Variant Server 0.00092; gnomAD 0.00104.
gnomAD v4.1: 2,063 of 1,613,114 alleles (0.13%); highest among the groups gnomAD compares: Middle Eastern, 0.54%; 10 homozygotes.

Submissions (4):

CeGaT Center for Human Genetics Tuebingen
Classification: Likely benign. Last evaluated: 2022-09-01. Review status: criteria provided, single submitter. Criteria: CeGaT Center For Human Genetics Tuebingen Variant Classification Criteria Version 2. Collection method: clinical testing. Allele origin: germline. Affected: yes. Observed: 1 variant allele.
Comment: EZR: BP4, BP7

Labcorp Genetics (formerly Invitae), Labcorp
Classification: Benign. Last evaluated: 2019-12-31. Review status: criteria provided, single submitter. Criteria: Invitae Variant Classification Sherloc (09022015). Collection method: clinical testing. Allele origin: germline.

Genetic Services Laboratory, University of Chicago
Classification: Likely benign. Last evaluated: 2018-06-04. Review status: criteria provided, single submitter. Criteria: ACMG Guidelines, 2015. Collection method: clinical testing. Allele origin: germline. Affected: no.

Breakthrough Genomics
Classification: Likely benign. Review status: criteria provided, single submitter. Criteria: ACMG Guidelines, 2015. Collection method: not provided. Allele origin: germline. Inheritance: Unknown mechanism. Affected: yes.